The following is an entry in ClinVar:

ClinVar aggregate classification (germline): Likely benign (0 of 4 stars; one submission).

Conditions:
DNMT3A-related disorder. Also called: DNMT3A-related disorders; DNMT3A-related condition.

gnomAD v4.1: 1 of 1,611,732 alleles (0.000062%); highest among the groups gnomAD compares: Non-Finnish European, 0.000085%; no homozygotes.

Submission:

PreventionGenetics, part of Exact Sciences
Classification: Likely benign for DNMT3A-related condition. Last evaluated: 2022-07-15. Review status: no assertion criteria provided. Collection method: clinical testing. Allele origin: germline.
Comment: This variant is classified as likely benign based on ACMG/AMP sequence variant interpretation guidelines (Richards et al. 2015 PMID: 25741868, with internal and published modifications).

NM_022552.5(DNMT3A):c.624A>C (p.Ala208=)

Gene: DNMT3A (DNA methyltransferase 3 alpha; minus strand). Cytogenetic location: 2p23.3.
Variant type: single nucleotide variant.
Coding change: c.624A>C on transcript NM_022552.5 (MANE Select); coding-DNA position 624, A replaced by C.
Protein change: p.Ala208=; no amino-acid change (alanine 208 retained).
Molecular consequence: synonymous variant. On other transcripts: non-coding transcript variant (1).
Genome position (GRCh38, 1-based): chr2:25,274,956, T>G on the plus strand (A>C on the coding strand, the complement: DNMT3A is on the minus strand). VCF-style: chr2-25274956-T-G. GRCh37 (hg19) VCF-style: chr2-25497825-T-G.
Other names: c.624A>C, p.Ala208= (NM_175629.2).
Identifiers: ClinVar variation 3353372 (VCV003353372.1).